The following is an entry in ClinVar:

NM_138983.3(OLIG1):c.165T>C (p.Thr55=)

Gene: OLIG1 (oligodendrocyte transcription factor 1; plus strand). Cytogenetic location: 21q22.11.
Variant type: single nucleotide variant.
Coding change: c.165T>C on transcript NM_138983.3 (MANE Select); coding-DNA position 165, T replaced by C.
Protein change: p.Thr55=; no amino-acid change (threonine 55 retained).
Molecular consequence: synonymous variant.
Genome position (GRCh38, 1-based): chr21:33,070,411, T>C. VCF-style: chr21-33070411-T-C. GRCh37 (hg19) VCF-style: chr21-34442717-T-C.
Identifiers: ClinVar variation 3770609 (VCV003770609.13).

ClinVar aggregate classification (germline): Likely benign (1 of 4 stars; one submission).

Submission:

CeGaT Center for Human Genetics Tuebingen
Classification: Likely benign. Last evaluated: 2025-01-01. Review status: criteria provided, single submitter. Criteria: CeGaT Center For Human Genetics Tuebingen Variant Classification Criteria Version 2. Collection method: clinical testing. Allele origin: germline. Affected: yes. Observed: 1 variant allele.
Comment: OLIG1: BP4, BP7